The following is an entry in ClinVar:

ClinVar aggregate classification (germline): Uncertain significance (1 of 4 stars; one submission).

Conditions:
Hereditary cancer-predisposing syndrome. Also called: Neoplastic Syndromes, Hereditary; Tumor predisposition; Hereditary neoplastic syndrome; Hereditary Cancer Syndrome. Identifiers: Orphanet 140162, MedGen C0027672, MeSH D009386, MONDO:0015356.

Submission:

Ambry Genetics
Classification: Uncertain significance for Hereditary cancer-predisposing syndrome. Last evaluated: 2018-11-08. Review status: criteria provided, single submitter. Criteria: Ambry Variant Classification Scheme 2023. Collection method: clinical testing. Allele origin: germline.
Comment: The p.T212S variant (also known as c.635C>G), located in coding exon 5 of the STK11 gene, results from a C to G substitution at nucleotide position 635. The threonine at codon 212 is replaced by serine, an amino acid with similar properties. Two individuals with renal cell carcinoma were reported to have STK11 p.T212S (called LKB1 p.T212S) (Yalniz Z et al. Tumour Biol., 2014 Dec;35:12361-8). This amino acid position is highly conserved in available vertebrate species. In addition, the in silico prediction for this alteration is inconclusive. Since supporting evidence is limited at this time, the clinical significance of this alteration remains unclear.

Literature cited by the submitters: PubMed 25179843.

NM_000455.5(STK11):c.635C>G (p.Thr212Ser)

Gene: STK11 (serine/threonine kinase 11; plus strand). Cytogenetic location: 19p13.3.
Variant type: single nucleotide variant.
Coding change: c.635C>G on transcript NM_000455.5 (MANE Select); coding-DNA position 635, C replaced by G.
Protein change: p.Thr212Ser; replaces threonine 212 with serine.
Molecular consequence: missense variant.
Genome position (GRCh38, 1-based): chr19:1,220,618, C>G. VCF-style: chr19-1220618-C-G. GRCh37 (hg19) VCF-style: chr19-1220617-C-G.
Other names: short protein forms T212S.
Identifiers: ClinVar variation 826345 (VCV000826345.4), dbSNP rs1555738389, ClinGen allele CA402949548.
Genomic context (GRCh38, chr19:1,220,618, plus strand): 5'-AGGGCTGCACGGCACCGCCACAGGCACTGCACCCGTTCGCGGCGGACGACACCTGCCGGA[C>G]CAGCCAGGGCTCCCCGGCTTTCCAGCCGCCCGAGATTGCCAACGGCCTGGACACCTTCTC-3'
Protein context (NP_000446.1, residues 202-222): HPFAADDTCR[Thr212Ser]SQGSPAFQPP